The following is an entry in ClinVar:

NM_002529.4(NTRK1):c.623G>A (p.Gly208Glu)

Gene: NTRK1 (neurotrophic receptor tyrosine kinase 1; plus strand). Cytogenetic location: 1q23.1.
Variant type: single nucleotide variant.
Coding change: c.623G>A on transcript NM_002529.4 (MANE Select); coding-DNA position 623, G replaced by A.
Protein change: p.Gly208Glu; replaces glycine 208 with glutamic acid.
Molecular consequence: missense variant.
Genome position (GRCh38, 1-based): chr1:156,868,553, G>A. VCF-style: chr1-156868553-G-A. GRCh37 (hg19) VCF-style: chr1-156838345-G-A.
Other names: c.533G>A, p.Gly178Glu (NM_001007792.1); c.623G>A, p.Gly208Glu (NM_001012331.2); short protein forms G178E, G208E.
Identifiers: ClinVar variation 655902 (VCV000655902.12), dbSNP rs1290171656, ClinGen allele CA342934315.

ClinVar aggregate classification (germline): Uncertain significance. Review status: criteria provided, multiple submitters, no conflicts (2 of 4 stars). 6 submissions from 6 submitters: Uncertain significance (5). 1 of the submissions does not count toward it. Last evaluated 2026-06-10.

Conditions:
Inborn genetic diseases. Identifiers: MedGen C0950123, MeSH D030342.
Hereditary insensitivity to pain with anhidrosis (CIPA). Also called: NTRK1 Congenital Insensitivity to Pain with Anhidrosis; HSAN Type IV; FAMILIAL DYSAUTONOMIA, TYPE II; hereditary sensory and autonomic neuropathy type 4; INSENSITIVITY TO PAIN, CONGENITAL, WITH ANHIDROSIS; NEUROPATHY, CONGENITAL SENSORY, WITH ANHIDROSIS. Identifiers: Orphanet 642, MedGen C0020074, MONDO:0009746, OMIM 256800.

Allele frequency attached by ClinVar (database versions not stated): TOPMed 0.00001.
gnomAD v4.1: 1 of 1,557,454 alleles (0.000064%); no homozygotes.

Submissions (6):

Women's Health and Genetics/Laboratory Corporation of America, LabCorp
Classification: Uncertain significance. Last evaluated: 2026-06-10. Review status: criteria provided, single submitter. Criteria: LabCorp Variant Classification Summary - May 2015. Collection method: clinical testing. Allele origin: germline.
Comment: Variant summary: NTRK1 c.623G>A (p.Gly208Glu) results in a non-conservative amino acid change in the encoded protein sequence. Algorithms developed to predict the effect of missense changes on protein structure and function are either unavailable or do not agree on the potential impact of this missense change. The frequency data for this variant in gnomAD is considered unreliable, as metrics indicate poor data quality at this position. To our knowledge, no occurrence of c.623G>A in individuals affected with NTRK1-related conditions and no experimental evidence demonstrating its impact on protein function have been reported. ClinVar contains an entry for this variant (Variation ID: 655902). Based on the evidence outlined above, the variant was classified as uncertain significance.

Myriad Genetics, Inc.
Classification: Uncertain significance for Hereditary insensitivity to pain with anhidrosis. Last evaluated: 2026-03-17. Review status: criteria provided, single submitter. Criteria: Myriad Autosomal Dominant, Autosomal Recessive and X-Linked Classification Criteria (2023). Collection method: clinical testing. Allele origin: unknown.
Comment: NM_002529.3(NTRK1):c.623G>A(G208E) is a missense variant classified as a variant of uncertain significance in the context of congenital insensitivity to pain with anhidrosis, NTRK1-related. G208E has not been observed in cases with relevant disease. Relevant functional assessments of this variant are not available in the literature. G208E has not been observed in referenced population frequency databases. In summary, there is insufficient evidence to classify NM_002529.3(NTRK1):c.623G>A(G208E) as pathogenic or benign. Please note: this variant was assessed in the context of healthy population screening.

Genome-Nilou Lab
Classification: Uncertain significance for Hereditary insensitivity to pain with anhidrosis. Last evaluated: 2023-04-11. Review status: criteria provided, single submitter. Criteria: ACMG Guidelines, 2015. Collection method: clinical testing. Allele origin: germline. Affected: no.

Ambry Genetics
Classification: Uncertain significance for Inborn genetic diseases. Last evaluated: 2022-09-29. Review status: criteria provided, single submitter. Criteria: Ambry Variant Classification Scheme 2023. Collection method: clinical testing. Allele origin: germline.

Labcorp Genetics (formerly Invitae), Labcorp
Classification: Uncertain significance for Hereditary insensitivity to pain with anhidrosis. Last evaluated: 2021-08-24. Review status: criteria provided, single submitter. Criteria: Invitae Variant Classification Sherloc (09022015). Collection method: clinical testing. Allele origin: germline.
Comment: This sequence change replaces glycine with glutamic acid at codon 208 of the NTRK1 protein (p.Gly208Glu). The glycine residue is highly conserved and there is a moderate physicochemical difference between glycine and glutamic acid. This variant is not present in population databases (ExAC no frequency). This variant has not been reported in the literature in individuals affected with NTRK1-related conditions. Algorithms developed to predict the effect of missense changes on protein structure and function are either unavailable or do not agree on the potential impact of this missense change (SIFT: "Deleterious"; PolyPhen-2: "Probably Damaging"; Align-GVGD: "Class C0"). In summary, the available evidence is currently insufficient to determine the role of this variant in disease. Therefore, it has been classified as a Variant of Uncertain Significance.

Natera, Inc.
Classification: Uncertain significance for Hereditary insensitivity to pain with anhidrosis. Last evaluated: 2021-02-08. Review status: no assertion criteria provided. Collection method: clinical testing. Allele origin: germline. Not counted in ClinVar's aggregate classification.